The following is an entry in ClinVar:

NM_006946.4(SPTBN2):c.4547A>G (p.His1516Arg)

Gene: SPTBN2 (spectrin beta, non-erythrocytic 2; minus strand). Cytogenetic location: 11q13.2.
Variant type: single nucleotide variant.
Coding change: c.4547A>G on transcript NM_006946.4 (MANE Select); coding-DNA position 4547, A replaced by G.
Protein change: p.His1516Arg; replaces histidine 1516 with arginine.
Molecular consequence: missense variant.
Genome position (GRCh38, 1-based): chr11:66,693,818, T>C on the plus strand (A>G on the coding strand, the complement: SPTBN2 is on the minus strand). VCF-style: chr11-66693818-T-C. GRCh37 (hg19) VCF-style: chr11-66461289-T-C.
Other names: c.4568A>G, p.His1523Arg (NM_001411025.1); short protein forms H1523R, H1516R.
Identifiers: ClinVar variation 2065489 (VCV002065489.4), dbSNP rs2495977505, ClinGen allele CA381469775.

ClinVar aggregate classification (germline): Uncertain significance (1 of 4 stars; one submission).

Submission:

Labcorp Genetics (formerly Invitae), Labcorp
Classification: Uncertain significance. Last evaluated: 2022-08-08. Review status: criteria provided, single submitter. Criteria: Invitae Variant Classification Sherloc (09022015). Collection method: clinical testing. Allele origin: germline.
Comment: In summary, the available evidence is currently insufficient to determine the role of this variant in disease. Therefore, it has been classified as a Variant of Uncertain Significance. Advanced modeling of protein sequence and biophysical properties (such as structural, functional, and spatial information, amino acid conservation, physicochemical variation, residue mobility, and thermodynamic stability) performed at Invitae indicates that this missense variant is not expected to disrupt SPTBN2 protein function. This variant has not been reported in the literature in individuals affected with SPTBN2-related conditions. This variant is not present in population databases (gnomAD no frequency). This sequence change replaces histidine, which is basic and polar, with arginine, which is basic and polar, at codon 1516 of the SPTBN2 protein (p.His1516Arg).